The following is an entry in ClinVar:

NM_014141.6(CNTNAP2):c.2728A>G (p.Thr910Ala)

Gene: CNTNAP2 (contactin associated protein 2; plus strand). Cytogenetic location: 7q35.
Variant type: single nucleotide variant.
Coding change: c.2728A>G on transcript NM_014141.6 (MANE Select); coding-DNA position 2728, A replaced by G.
Protein change: p.Thr910Ala; replaces threonine 910 with alanine.
Molecular consequence: missense variant.
Genome position (GRCh38, 1-based): chr7:148,147,664, A>G. VCF-style: chr7-148147664-A-G. GRCh37 (hg19) VCF-style: chr7-147844756-A-G.
Other names: short protein forms T910A.
Identifiers: ClinVar variation 1509060 (VCV001509060.8), dbSNP rs1366092457, ClinGen allele CA369928189.

ClinVar aggregate classification (germline): Uncertain significance (1 of 4 stars; one submission).

Conditions:
Cortical dysplasia-focal epilepsy syndrome (PTHSL1). Also called: Pitt-Hopkins-like syndrome 1. Identifiers: Orphanet 163681, Orphanet 221150, MedGen C2750246, MONDO:0012400, OMIM 610042.

Allele frequency attached by ClinVar (database versions not stated): gnomAD exomes below 0.00001.
gnomAD v4.1: 5 of 1,614,060 alleles (0.00031%); highest among the groups gnomAD compares: Non-Finnish European, 0.00042%; no homozygotes.

Submission:

Labcorp Genetics (formerly Invitae), Labcorp
Classification: Uncertain significance for Cortical dysplasia-focal epilepsy syndrome. Last evaluated: 2022-12-02. Review status: criteria provided, single submitter. Criteria: Invitae Variant Classification Sherloc (09022015). Collection method: clinical testing. Allele origin: germline.
Comment: In summary, the available evidence is currently insufficient to determine the role of this variant in disease. Therefore, it has been classified as a Variant of Uncertain Significance. Algorithms developed to predict the effect of missense changes on protein structure and function (SIFT, PolyPhen-2, Align-GVGD) all suggest that this variant is likely to be tolerated. ClinVar contains an entry for this variant (Variation ID: 1509060). This variant has not been reported in the literature in individuals affected with CNTNAP2-related conditions. This variant is present in population databases (no rsID available, gnomAD 0.0009%). This sequence change replaces threonine, which is neutral and polar, with alanine, which is neutral and non-polar, at codon 910 of the CNTNAP2 protein (p.Thr910Ala).